The following is an entry in ClinVar:

ClinVar aggregate classification (germline): Uncertain significance (1 of 4 stars; one submission).

Conditions:
Hypokalemic periodic paralysis, type 1. Also called: HypoPP; Hypokalemic Periodic Paralysis Type 1 (AD). Identifiers: Orphanet 681, MedGen C3714580, MONDO:0042979, OMIM 170400.
Malignant hyperthermia, susceptibility to, 5 (MHS5). Also called: CACNA1S-Related Malignant Hyperthermia Susceptibility. Identifiers: Orphanet 423, MedGen C1866077, MONDO:0011163, OMIM 601887.

Submission:

Labcorp Genetics (formerly Invitae), Labcorp
Classification: Uncertain significance for Hypokalemic periodic paralysis, type 1; Malignant hyperthermia, susceptibility to, 5. Last evaluated: 2022-08-09. Review status: criteria provided, single submitter. Criteria: Invitae Variant Classification Sherloc (09022015). Collection method: clinical testing. Allele origin: germline.
Comment: In summary, the available evidence is currently insufficient to determine the role of this variant in disease. Therefore, it has been classified as a Variant of Uncertain Significance. Advanced modeling of protein sequence and biophysical properties (such as structural, functional, and spatial information, amino acid conservation, physicochemical variation, residue mobility, and thermodynamic stability) performed at Invitae indicates that this missense variant is not expected to disrupt CACNA1S protein function. This variant has not been reported in the literature in individuals affected with CACNA1S-related conditions. This variant is not present in population databases (gnomAD no frequency). This sequence change replaces glycine, which is neutral and non-polar, with serine, which is neutral and polar, at codon 487 of the CACNA1S protein (p.Gly487Ser).

NM_000069.3(CACNA1S):c.1459G>A (p.Gly487Ser)

Gene: CACNA1S (calcium voltage-gated channel subunit alpha1 S; minus strand). Cytogenetic location: 1q32.1.
Variant type: single nucleotide variant.
Coding change: c.1459G>A on transcript NM_000069.3 (MANE Select); coding-DNA position 1459, G replaced by A.
Protein change: p.Gly487Ser; replaces glycine 487 with serine.
Molecular consequence: missense variant.
Genome position (GRCh38, 1-based): chr1:201,078,039, C>T on the plus strand (G>A on the coding strand, the complement: CACNA1S is on the minus strand). VCF-style: chr1-201078039-C-T. GRCh37 (hg19) VCF-style: chr1-201047167-C-T.
Other names: short protein forms G487S.
Identifiers: ClinVar variation 1715933 (VCV001715933.6), dbSNP rs2464571582, ClinGen allele CA344122376.